The following is an entry in ClinVar:

NM_022124.6(CDH23):c.5871C>G (p.Pro1957=)

Gene: CDH23 (cadherin related 23; plus strand). Cytogenetic location: 10q22.1.
Variant type: single nucleotide variant.
Coding change: c.5871C>G on transcript NM_022124.6 (MANE Select); coding-DNA position 5871, C replaced by G.
Protein change: p.Pro1957=; no amino-acid change (proline 1957 retained).
Molecular consequence: synonymous variant.
Genome position (GRCh38, 1-based): chr10:71,788,990, C>G. VCF-style: chr10-71788990-C-G. GRCh37 (hg19) VCF-style: chr10-73548747-C-G.
Other names: p.Pro1957=.
Identifiers: ClinVar variation 226498 (VCV000226498.35), dbSNP rs368122233, ClinGen allele CA5545911.

ClinVar aggregate classification (germline): Conflicting classifications of pathogenicity. Review status: criteria provided, conflicting classifications (1 of 4 stars). 11 submissions from 10 submitters: Uncertain significance (2); Benign (3); Likely benign (4). 2 of the submissions do not count toward it. Last evaluated 2026-01-24.

Conditions:
Autosomal recessive nonsyndromic hearing loss 12. Also called: DEAFNESS, AUTOSOMAL RECESSIVE 12. Identifiers: Orphanet 90636, MedGen C1832394, MONDO:0011067, OMIM 601386.
Usher syndrome type 1D (USH1D). Also called: USHER SYNDROME, TYPE ID. Identifiers: Orphanet 231169, Orphanet 886, MedGen C1832845, MONDO:0010984, OMIM 601067.

Allele frequency attached by ClinVar (database versions not stated): 1000 Genomes Project 30x 0.00187; gnomAD 0.00193 and 0.00206; 1000 Genomes Project 0.00200; TOPMed 0.00225; ESP Exome Variant Server 0.00267.
gnomAD v4.1: 540 of 1,606,686 alleles (0.034%); highest among the groups gnomAD compares: African/African-American, 0.64%; 2 homozygotes.

Submissions (11):

Labcorp Genetics (formerly Invitae), Labcorp
Classification: Benign. Last evaluated: 2026-01-24. Review status: criteria provided, single submitter. Criteria: Invitae Variant Classification Sherloc (09022015). Collection method: clinical testing. Allele origin: germline.

CeGaT Center for Human Genetics Tuebingen
Classification: Likely benign. Last evaluated: 2025-04-01. Review status: criteria provided, single submitter. Criteria: CeGaT Center For Human Genetics Tuebingen Variant Classification Criteria Version 2. Collection method: clinical testing. Allele origin: germline. Affected: yes. Observed: 1 variant allele.
Comment: CDH23: BP4, BP7

Mayo Clinic Laboratories, Mayo Clinic
Classification: Benign. Last evaluated: 2024-10-23. Review status: criteria provided, single submitter. Criteria: ACMG Guidelines, 2015. Collection method: clinical testing. Allele origin: germline. Observed: 1 variant allele.
Comment: BA1, BP4, BP7

Blueprint Genetics
Classification: Likely benign. Last evaluated: 2024-05-28. Review status: criteria provided, single submitter. Criteria: ACMG Guidelines, 2015. Collection method: clinical testing. Allele origin: germline.

GeneDx
Classification: Likely benign. Last evaluated: 2021-05-12. Review status: criteria provided, single submitter. Criteria: GeneDx Variant Classification Process June 2021. Collection method: clinical testing. Allele origin: germline. Affected: yes.

Illumina Laboratory Services, Illumina
Classification: Uncertain significance for Usher syndrome type 1D. Last evaluated: 2018-01-13. Review status: criteria provided, single submitter. Criteria: ICSL Variant Classification Criteria 13 December 2019. Collection method: clinical testing. Allele origin: germline.

Illumina Laboratory Services, Illumina
Classification: Uncertain significance for Autosomal recessive nonsyndromic hearing loss 12. Last evaluated: 2018-01-13. Review status: criteria provided, single submitter. Criteria: ICSL Variant Classification Criteria 13 December 2019. Collection method: clinical testing. Allele origin: germline.

Eurofins Ntd Llc (ga)
Classification: Likely benign. Last evaluated: 2016-01-22. Review status: criteria provided, single submitter. Criteria: EGL Classification Definitions 2015. Collection method: clinical testing. Allele origin: germline. Observed: 2 variant alleles, 2 heterozygotes.

Laboratory for Molecular Medicine, Mass General Brigham Personalized Medicine
Classification: Benign. Last evaluated: 2012-05-07. Review status: criteria provided, single submitter. Criteria: LMM Criteria. Collection method: clinical testing. Allele origin: germline. Observed: 3 variant alleles.
Comment: "Pro1957Pro in Exon 45 of CDH23: This variant is not expected to have clinical s ignificance because it does not alter an amino acid residue, is not located with in the splice consensus sequence, and has been identified in 0.9% (29/3082) of A frican American chromosomes from a broad population by the NHLBI Exome Sequencin g Project."

Clinical Genetics DNA and cytogenetics Diagnostics Lab, Erasmus MC, Erasmus Medical Center
Classification: Likely benign. Review status: no assertion criteria provided. Collection method: clinical testing. Allele origin: germline. Affected: yes. Study: VKGL Data-share Consensus. Not counted in ClinVar's aggregate classification.

Clinical Genetics, Academic Medical Center
Classification: Benign. Review status: no assertion criteria provided. Collection method: clinical testing. Allele origin: germline. Affected: yes. Study: VKGL Data-share Consensus. Not counted in ClinVar's aggregate classification.